The following is an entry in ClinVar:

NM_024753.5(TTC21B):c.3116C>A (p.Pro1039Gln)

Gene: TTC21B (tetratricopeptide repeat domain 21B; minus strand). Cytogenetic location: 2q24.3.
Variant type: single nucleotide variant.
Coding change: c.3116C>A on transcript NM_024753.5 (MANE Select); coding-DNA position 3116, C replaced by A.
Protein change: p.Pro1039Gln; replaces proline 1039 with glutamine.
Molecular consequence: missense variant.
Genome position (GRCh38, 1-based): chr2:165,890,626, G>T on the plus strand (C>A on the coding strand, the complement: TTC21B is on the minus strand). VCF-style: chr2-165890626-G-T. GRCh37 (hg19) VCF-style: chr2-166747136-G-T.
Other names: short protein forms P1039Q.
Identifiers: ClinVar variation 4992495 (VCV004992495.1).

ClinVar aggregate classification (germline): Uncertain significance (1 of 4 stars; one submission).

Conditions:
TTC21B-related disorder. Also called: TTC21B-related condition; TTC21B-related disorders.

Submission:

PreventionGenetics, part of Exact Sciences
Classification: Uncertain significance for TTC21B-related condition. Last evaluated: 2026-02-17. Review status: criteria provided, single submitter. Criteria: ACMG Guidelines, 2015. Collection method: clinical testing. Allele origin: germline.
Comment: The TTC21B c.3116C>A variant is predicted to result in the amino acid substitution p.Pro1039Gln. To our knowledge, this variant has not been reported in the literature or in a large population database (gnomAD), indicating this variant is rare. At this time, the clinical significance of this variant is uncertain due to the absence of conclusive functional and genetic evidence.